The following is an entry in ClinVar:

ClinVar aggregate classification (germline): Uncertain significance (1 of 4 stars; one submission).

Conditions:
BBS1-related disorder. Also called: BBS1-related condition.

Submission:

PreventionGenetics, part of Exact Sciences
Classification: Uncertain significance for BBS1-related condition. Last evaluated: 2025-01-22. Review status: criteria provided, single submitter. Criteria: ACMG Guidelines, 2015. Collection method: clinical testing. Allele origin: germline.
Comment: The BBS1 c.1312A>T variant is predicted to result in the amino acid substitution p.Thr438Ser. To our knowledge, this variant has not been reported in the literature or in a large population database (gnomAD), indicating this variant is rare. At this time, the clinical significance of this variant is uncertain due to the absence of conclusive functional and genetic evidence.

NM_024649.5(BBS1):c.1312A>T (p.Thr438Ser)

Genes: BBS1 (Bardet-Biedl syndrome 1; plus strand), ZDHHC24 (zDHHC palmitoyltransferase 24; minus strand). Cytogenetic location: 11q13.2.
Variant type: single nucleotide variant.
Coding change: c.1312A>T on transcript NM_024649.5 (MANE Select); coding-DNA position 1312, A replaced by T.
Protein change: p.Thr438Ser; replaces threonine 438 with serine.
Molecular consequence: missense variant. On other transcripts: intron variant (1).
Genome position (GRCh38, 1-based): chr11:66,526,780, A>T. VCF-style: chr11-66526780-A-T. GRCh37 (hg19) VCF-style: chr11-66294251-A-T.
Other names: c.*21+156T>A (NM_001348571.2); short protein forms T438S.
Identifiers: ClinVar variation 4998666 (VCV004998666.1).
Genomic context (GRCh38, chr11:66,526,780, plus strand): 5'-CCACCAGCCCAGGCCATGAAACTCAATGTGCCCCGAAAGACCCGGCTTTACGTGGATCAG[A>T]CACTGCGAGAGCGGGAGGCTGGCACCGGTGAGCCTCAGACTGGGTCCTTTCCCTTCTTCC-3'
Protein context (NP_078925.3, residues 428-448): PRKTRLYVDQ[Thr438Ser]LREREAGTAM